The following is an entry in ClinVar:

NC_000007.14:g.(?_2554305)_(2554431_?)del

Gene: BRAT1 (BRCA1 associated ATM activator 1; minus strand). Cytogenetic location: 7p22.3.
Variant type: Deletion.
Identifiers: ClinVar variation 3245801 (VCV003245801.1).

ClinVar aggregate classification (germline): Pathogenic (1 of 4 stars; one submission).

Conditions:
Neonatal-onset encephalopathy with rigidity and seizures. Also called: Lethal neonatal spasticity-epileptic encephalopathy syndrome. Identifiers: Orphanet 435845, MedGen C3281029, MONDO:0013784, OMIM 614498.

Submission:

Labcorp Genetics (formerly Invitae), Labcorp
Classification: Pathogenic for Neonatal-onset encephalopathy with rigidity and seizures. Last evaluated: 2023-07-03. Review status: criteria provided, single submitter. Criteria: Invitae Variant Classification Sherloc (09022015). Collection method: clinical testing. Allele origin: unknown.
Comment: For these reasons, this variant has been classified as Pathogenic. This variant has not been reported in the literature in individuals affected with BRAT1-related conditions. This variant is a gross deletion of the genomic region encompassing exon(s) 2 of the BRAT1 gene, which includes the initiator codon. This deletion extends beyond the assayed region for this gene and therefore may encompass additional genes. It is expected to result in an absent or disrupted protein product. Loss-of-function variants in BRAT1 are known to be pathogenic (PMID: 22279524, 25500575).

Literature cited by the submitters: PubMed 22279524; PubMed 25500575.